The following is an entry in ClinVar:

NM_005633.4(SOS1):c.3082-331C>G

Gene: SOS1 (SOS Ras/Rac guanine nucleotide exchange factor 1; minus strand). Cytogenetic location: 2p22.1.
Variant type: single nucleotide variant.
Coding change: c.3082-331C>G on transcript NM_005633.4 (MANE Select); 331 bases into the intron before coding-DNA position 3082, C replaced by G.
Molecular consequence: intron variant.
Genome position (GRCh38, 1-based): chr2:38,995,718, G>C on the plus strand (C>G on the coding strand, the complement: SOS1 is on the minus strand). VCF-style: chr2-38995718-G-C. GRCh37 (hg19) VCF-style: chr2-39222859-G-C.
Other names: c.3061-331C>G (NM_001382394.1); c.3082-331C>G (NM_001382395.1).
Identifiers: ClinVar variation 561934 (VCV000561934.1), dbSNP rs141310875, ClinGen allele CA45646384.

ClinVar aggregate classification (germline): Likely benign (1 of 4 stars; one submission).

Allele frequency attached by ClinVar (database versions not stated): gnomAD 0.00351 and 0.00368; TOPMed 0.00385; 1000 Genomes Project 0.00459; 1000 Genomes Project 30x 0.00547.
gnomAD v4.1: 529 of 152,154 alleles (0.35%); highest among the groups gnomAD compares: African/African-American, 1.2%; 4 homozygotes.

Submission:

GeneDx
Classification: Likely benign. Last evaluated: 2018-06-18. Review status: criteria provided, single submitter. Criteria: GeneDx Variant Classification (06012015). Collection method: clinical testing. Allele origin: germline. Affected: yes.
Comment: This variant is considered likely benign or benign based on one or more of the following criteria: it is a conservative change, it occurs at a poorly conserved position in the protein, it is predicted to be benign by multiple in silico algorithms, and/or has population frequency not consistent with disease.